The following is an entry in ClinVar:

NM_018648.4(NOP10):c.161T>G (p.Val54Gly)

Gene: NOP10 (NOP10 ribonucleoprotein; minus strand). Cytogenetic location: 15q14.
Variant type: single nucleotide variant.
Coding change: c.161T>G on transcript NM_018648.4 (MANE Select); coding-DNA position 161, T replaced by G.
Protein change: p.Val54Gly; replaces valine 54 with glycine.
Molecular consequence: missense variant.
Genome position (GRCh38, 1-based): chr15:34,342,002, A>C on the plus strand (T>G on the coding strand, the complement: NOP10 is on the minus strand). VCF-style: chr15-34342002-A-C. GRCh37 (hg19) VCF-style: chr15-34634203-A-C.
Other names: short protein forms V54G.
Identifiers: ClinVar variation 2912938 (VCV002912938.3), dbSNP rs1890485099, ClinGen allele CA391621989.

ClinVar aggregate classification (germline): Uncertain significance (1 of 4 stars; one submission).

Conditions:
Dyskeratosis congenita, autosomal recessive 1. Identifiers: Orphanet 1775, MedGen C1857144, MONDO:0009136, OMIM 224230.

Allele frequency attached by ClinVar (database versions not stated): gnomAD exomes below 0.00001; TOPMed below 0.00001.
gnomAD v4.1: 1 of 1,614,114 alleles (0.000062%); highest among the groups gnomAD compares: Admixed American, 0.0017%; no homozygotes.

Submission:

Labcorp Genetics (formerly Invitae), Labcorp
Classification: Uncertain significance for Dyskeratosis congenita, autosomal recessive 1. Last evaluated: 2022-12-25. Review status: criteria provided, single submitter. Criteria: Invitae Variant Classification Sherloc (09022015). Collection method: clinical testing. Allele origin: germline.
Comment: This variant has not been reported in the literature in individuals affected with NOP10-related conditions. Algorithms developed to predict the effect of missense changes on protein structure and function are either unavailable or do not agree on the potential impact of this missense change (SIFT: "Deleterious"; PolyPhen-2: "Benign"; Align-GVGD: "Class C35"). In summary, the available evidence is currently insufficient to determine the role of this variant in disease. Therefore, it has been classified as a Variant of Uncertain Significance. This variant is not present in population databases (gnomAD no frequency). This sequence change replaces valine, which is neutral and non-polar, with glycine, which is neutral and non-polar, at codon 54 of the NOP10 protein (p.Val54Gly).